The following is an entry in ClinVar:

NM_001360016.2(G6PD):c.359G>T (p.Arg120Leu)

Gene: G6PD (glucose-6-phosphate dehydrogenase; minus strand). Cytogenetic location: Xq28.
Variant type: single nucleotide variant.
Coding change: c.359G>T on transcript NM_001360016.2 (MANE Select); coding-DNA position 359, G replaced by T.
Protein change: p.Arg120Leu; replaces arginine 120 with leucine.
Molecular consequence: missense variant.
Genome position (GRCh38, 1-based): chrX:154,535,294, C>A on the plus strand (G>T on the coding strand, the complement: G6PD is on the minus strand). VCF-style: chrX-154535294-C-A. GRCh37 (hg19) VCF-style: chrX-153763509-C-A.
Other names: c.449G>T, p.Arg150Leu (NM_000402.4); c.359G>T, p.Arg120Leu (NM_001042351.3); short protein forms R120L, R150L.
Identifiers: ClinVar variation 1428417 (VCV001428417.5), dbSNP rs782820967, ClinGen allele CA10566258.

ClinVar aggregate classification (germline): Uncertain significance (1 of 4 stars; one submission).

Conditions:
Anemia, nonspherocytic hemolytic, due to G6PD deficiency (CNSHA1). Also called: Class I glucose-6-phosphate dehydrogenase deficiency; Favism, susceptibility to; Hemolytic anemia due to G6PD deficiency; ANEMIA, CONGENITAL, NONSPHEROCYTIC HEMOLYTIC, 1. Identifiers: Orphanet 466026, MedGen C2720289, MONDO:0010480, OMIM 300908.

gnomAD v4.1: 3 of 1,210,432 alleles (0.00025%); highest among the groups gnomAD compares: African/African-American, 0.0052%; no homozygotes.

Submission:

Labcorp Genetics (formerly Invitae), Labcorp
Classification: Uncertain significance for Anemia, nonspherocytic hemolytic, due to G6PD deficiency. Last evaluated: 2022-08-23. Review status: criteria provided, single submitter. Criteria: Invitae Variant Classification Sherloc (09022015). Collection method: clinical testing. Allele origin: germline.
Comment: In summary, the available evidence is currently insufficient to determine the role of this variant in disease. Therefore, it has been classified as a Variant of Uncertain Significance. Advanced modeling of protein sequence and biophysical properties (such as structural, functional, and spatial information, amino acid conservation, physicochemical variation, residue mobility, and thermodynamic stability) performed at Invitae indicates that this missense variant is not expected to disrupt G6PD protein function. ClinVar contains an entry for this variant (Variation ID: 1428417). This variant has not been reported in the literature in individuals affected with G6PD-related conditions. This variant is present in population databases (rs782820967, gnomAD 0.01%). This sequence change replaces arginine, which is basic and polar, with leucine, which is neutral and non-polar, at codon 120 of the G6PD protein (p.Arg120Leu).